The following is an entry in ClinVar:

ClinVar aggregate classification (germline): Likely benign. Review status: criteria provided, multiple submitters, no conflicts (2 of 4 stars). 3 submissions from 3 submitters: Likely benign (3). Last evaluated 2026-01-31.

Conditions:
RYR1-related disorder. Also called: RYR1-related condition; RYR1-related disorders. Identifiers: MedGen CN239331.
Malignant hyperthermia, susceptibility to, 1 (MHS1). Also called: Malignant hyperthermia suceptibility 1; Anesthesia related hyperthermia; Malignant hyperpyrexia; Fulminating hyperpyrexia; Pharmacogenic myopathy; RYR1-Related Malignant Hyperthermia Susceptibility. Identifiers: Orphanet 423, MedGen C2930980, MONDO:0007783, OMIM 145600.

Allele frequency attached by ClinVar (database versions not stated): TOPMed below 0.00001; gnomAD 0.00001; ExAC 0.00002; gnomAD exomes 0.00002.
gnomAD v4.1: 27 of 1,612,784 alleles (0.0017%); highest among the groups gnomAD compares: Non-Finnish European, 0.002%; no homozygotes.

Submissions (3):

Labcorp Genetics (formerly Invitae), Labcorp
Classification: Likely benign for RYR1-related disorder. Last evaluated: 2026-01-31. Review status: criteria provided, single submitter. Criteria: Invitae Variant Classification Sherloc (09022015). Collection method: clinical testing. Allele origin: germline.

Color Diagnostics, LLC DBA Color Health
Classification: Likely benign for Malignant hyperthermia, susceptibility to, 1. Last evaluated: 2022-11-06. Review status: criteria provided, single submitter. Criteria: ACMG Guidelines, 2015. Collection method: clinical testing. Allele origin: germline.

CeGaT Center for Human Genetics Tuebingen
Classification: Likely benign. Last evaluated: 2022-08-01. Review status: criteria provided, single submitter. Criteria: CeGaT Center For Human Genetics Tuebingen Variant Classification Criteria Version 2. Collection method: clinical testing. Allele origin: germline. Affected: yes. Observed: 1 variant allele.
Comment: RYR1: BP4, BP7

NM_000540.3(RYR1):c.6391C>T (p.Leu2131=)

Gene: RYR1 (ryanodine receptor 1; plus strand). Cytogenetic location: 19q13.2.
Variant type: single nucleotide variant.
Coding change: c.6391C>T on transcript NM_000540.3 (MANE Select); coding-DNA position 6391, C replaced by T.
Protein change: p.Leu2131=; no amino-acid change (leucine 2131 retained).
Molecular consequence: synonymous variant.
Genome position (GRCh38, 1-based): chr19:38,494,468, C>T. VCF-style: chr19-38494468-C-T. GRCh37 (hg19) VCF-style: chr19-38985108-C-T.
Other names: c.6391C>T, p.Leu2131= (NM_001042723.2).
Identifiers: ClinVar variation 1968691 (VCV001968691.30), dbSNP rs776859251, ClinGen allele CA082057.